The following is an entry in ClinVar:

NM_001267550.2(TTN):c.49057G>A (p.Gly16353Arg)

Genes: TTN (titin; minus strand), TTN-AS1 (TTN antisense RNA 1; plus strand), LOC126806426 (BRD4-independent group 4 enhancer GRCh37_chr2:179478848-179480047; plus strand). Cytogenetic location: 2q31.2.
Variant type: single nucleotide variant.
Coding change: c.49057G>A on transcript NM_001267550.2 (MANE Select); coding-DNA position 49057, G replaced by A.
Protein change: p.Gly16353Arg; replaces glycine 16353 with arginine.
Molecular consequence: missense variant. On other transcripts: non-coding transcript variant (1).
Genome position (GRCh38, 1-based): chr2:178,614,340, C>T on the plus strand (G>A on the coding strand, the complement: TTN is on the minus strand). VCF-style: chr2-178614340-C-T. GRCh37 (hg19) VCF-style: chr2-179479067-C-T.
Other names: c.44134G>A, p.Gly14712Arg (NM_001256850.1); c.21862G>A, p.Gly7288Arg (NM_003319.4); c.41353G>A, p.Gly13785Arg (NM_133378.4); c.22237G>A, p.Gly7413Arg (NM_133432.3); c.22438G>A, p.Gly7480Arg (NM_133437.4); short protein forms G13785R, G14712R, G16353R, G7288R, G7413R, G7480R.
Identifiers: ClinVar variation 2651637 (VCV002651637.24), dbSNP rs374866935, ClinGen allele CA1994679.

ClinVar aggregate classification (germline): Uncertain significance (1 of 4 stars; one submission).

Allele frequency attached by ClinVar (database versions not stated): ExAC 0.00003; gnomAD 0.00003; gnomAD exomes 0.00003; TOPMed 0.00003; ESP Exome Variant Server 0.00008.
gnomAD v4.1: 52 of 1,611,900 alleles (0.0032%); highest among the groups gnomAD compares: South Asian, 0.013%; no homozygotes.

Submission:

CeGaT Center for Human Genetics Tuebingen
Classification: Uncertain significance. Last evaluated: 2022-09-01. Review status: criteria provided, single submitter. Criteria: CeGaT Center For Human Genetics Tuebingen Variant Classification Criteria Version 2. Collection method: clinical testing. Allele origin: germline. Affected: yes. Observed: 1 variant allele.
Comment: TTN: PP3